The following is an entry in ClinVar:

NM_001372044.2(SHANK3):c.3670C>A (p.Arg1224=)

Gene: SHANK3 (SH3 and multiple ankyrin repeat domains 3; plus strand). Cytogenetic location: 22q13.33.
Variant type: single nucleotide variant.
Coding change: c.3670C>A on transcript NM_001372044.2 (MANE Select); coding-DNA position 3670, C replaced by A.
Protein change: p.Arg1224=; no amino-acid change (arginine 1224 retained).
Molecular consequence: synonymous variant.
Genome position (GRCh38, 1-based): chr22:50,721,278, C>A. VCF-style: chr22-50721278-C-A. GRCh37 (hg19) VCF-style: chr22-51159706-C-A.
Identifiers: ClinVar variation 4871985 (VCV004871985.2).

ClinVar aggregate classification (germline): Likely benign (1 of 4 stars; one submission).

Submission:

CeGaT Center for Human Genetics Tuebingen
Classification: Likely benign. Last evaluated: 2026-04-01. Review status: criteria provided, single submitter. Criteria: CeGaT Center For Human Genetics Tuebingen Variant Classification Criteria Version 2. Collection method: clinical testing. Allele origin: germline. Affected: yes. Observed: 1 variant allele.
Comment: SHANK3: PM2:Supporting, BP4, BP7